The following is an entry in ClinVar:

NM_001080449.3(DNA2):c.2281G>A (p.Val761Met)

Gene: DNA2 (DNA replication helicase/nuclease 2; minus strand). Cytogenetic location: 10q21.3.
Variant type: single nucleotide variant.
Coding change: c.2281G>A on transcript NM_001080449.3 (MANE Select); coding-DNA position 2281, G replaced by A.
Protein change: p.Val761Met; replaces valine 761 with methionine.
Molecular consequence: missense variant. On other transcripts: non-coding transcript variant (1).
Genome position (GRCh38, 1-based): chr10:68,422,818, C>T on the plus strand (G>A on the coding strand, the complement: DNA2 is on the minus strand). VCF-style: chr10-68422818-C-T. GRCh37 (hg19) VCF-style: chr10-70182575-C-T.
Other names: short protein forms V761M.
Identifiers: ClinVar variation 3689415 (VCV003689415.2).
Genomic context (GRCh38, chr10:68,422,818, plus strand): 5'-TCCGTGAAAAAAAAAGGGGGCCCAGACAAATTGGTTGGCTAATTTGAGAGGCTTCATCCA[C>T]AATACAAAAATCAAAAATTTTACGGGAAAATATTGGATGGTTTATTCCCATACATGTTGT-3'
Protein context (NP_001073918.2, residues 751-771): FSRKIFDFCI[Val761Met]DEASQISQPI

ClinVar aggregate classification (germline): Uncertain significance (1 of 4 stars; one submission).

Submission:

Labcorp Genetics (formerly Invitae), Labcorp
Classification: Uncertain significance. Last evaluated: 2025-01-02. Review status: criteria provided, single submitter. Criteria: Invitae Variant Classification Sherloc (09022015). Collection method: clinical testing. Allele origin: germline.
Comment: This sequence change replaces valine, which is neutral and non-polar, with methionine, which is neutral and non-polar, at codon 761 of the DNA2 protein (p.Val761Met). This variant is not present in population databases (gnomAD no frequency). This variant has not been reported in the literature in individuals affected with DNA2-related conditions. Invitae Evidence Modeling of protein sequence and biophysical properties (such as structural, functional, and spatial information, amino acid conservation, physicochemical variation, residue mobility, and thermodynamic stability) indicates that this missense variant is not expected to disrupt DNA2 protein function with a negative predictive value of 80%. In summary, the available evidence is currently insufficient to determine the role of this variant in disease. Therefore, it has been classified as a Variant of Uncertain Significance.